The following is an entry in ClinVar:

NM_172240.3(POC1B):c.63C>T (p.Ile21=)

Genes: POC1B (POC1 centriolar protein B; minus strand), POC1B-DUSP6 (POC1B-DUSP6 readthrough; minus strand), POC1B-GALNT4 (POC1B-GALNT4 readthrough; minus strand), LOC130008356 (ATAC-STARR-seq lymphoblastoid silent region 4693; plus strand). Cytogenetic location: 12q21.33.
Variant type: single nucleotide variant.
Coding change: c.63C>T on transcript NM_172240.3 (MANE Select); coding-DNA position 63, C replaced by T.
Protein change: p.Ile21=; no amino-acid change (isoleucine 21 retained).
Molecular consequence: synonymous variant. On other transcripts: missense variant (1), 5 prime UTR variant (1), non-coding transcript variant (2).
Genome position (GRCh38, 1-based): chr12:89,525,157, G>A on the plus strand (C>T on the coding strand, the complement: POC1B is on the minus strand). VCF-style: chr12-89525157-G-A. GRCh37 (hg19) VCF-style: chr12-89918934-G-A.
Other names: c.63C>T, p.Ile21= (NM_001199781.2); c.323C>T, p.Ser108Leu (NM_001199782.1); c.-64C>T (NM_001199777.2); short protein forms S108L.
Identifiers: ClinVar variation 3055128 (VCV003055128.2), dbSNP rs765729797, ClinGen allele CA6714989.

ClinVar aggregate classification (germline): Likely benign (0 of 4 stars; one submission).

Conditions:
POC1B-related disorder. Also called: POC1B-related condition.

Allele frequency attached by ClinVar (database versions not stated): gnomAD exomes below 0.00001; ExAC 0.00001.
gnomAD v4.1: 2 of 1,614,018 alleles (0.00012%); highest among the groups gnomAD compares: Non-Finnish European, 0.00017%; no homozygotes.

Submission:

PreventionGenetics, part of Exact Sciences
Classification: Likely benign for POC1B-related condition. Last evaluated: 2020-04-29. Review status: no assertion criteria provided. Collection method: clinical testing. Allele origin: germline.
Comment: This variant is classified as likely benign based on ACMG/AMP sequence variant interpretation guidelines (Richards et al. 2015 PMID: 25741868, with internal and published modifications).